The following is an entry in ClinVar:

NM_001232.4(CASQ2):c.631A>G (p.Met211Val)

Gene: CASQ2 (calsequestrin 2; minus strand). Cytogenetic location: 1p13.1.
Variant type: single nucleotide variant.
Coding change: c.631A>G on transcript NM_001232.4 (MANE Select); coding-DNA position 631, A replaced by G.
Protein change: p.Met211Val; replaces methionine 211 with valine.
Molecular consequence: missense variant.
Genome position (GRCh38, 1-based): chr1:115,727,098, T>C on the plus strand (A>G on the coding strand, the complement: CASQ2 is on the minus strand). VCF-style: chr1-115727098-T-C. GRCh37 (hg19) VCF-style: chr1-116269719-T-C.
Other names: short protein forms M211V.
Identifiers: ClinVar variation 3221462 (VCV003221462.1), dbSNP rs1168103884, ClinGen allele CA341768854.

ClinVar aggregate classification (germline): Uncertain significance (1 of 4 stars; one submission).

Conditions:
Cardiovascular phenotype. Identifiers: MedGen CN230736.

Allele frequency attached by ClinVar (database versions not stated): gnomAD exomes 0.00001.
gnomAD v4.1: 11 of 1,613,172 alleles (0.00068%); highest among the groups gnomAD compares: Non-Finnish European, 0.00085%; no homozygotes.

Submission:

Ambry Genetics
Classification: Uncertain significance for Cardiovascular phenotype. Last evaluated: 2023-12-29. Review status: criteria provided, single submitter. Criteria: Ambry Variant Classification Scheme 2023. Collection method: clinical testing. Allele origin: germline.
Comment: The p.M211V variant (also known as c.631A>G), located in coding exon 6 of the CASQ2 gene, results from an A to G substitution at nucleotide position 631. The methionine at codon 211 is replaced by valine, an amino acid with highly similar properties. This amino acid position is conserved. In addition, this alteration is predicted to be tolerated by in silico analysis. Since supporting evidence is limited at this time, the clinical significance of this alteration remains unclear.